The following is an entry in ClinVar:

ClinVar aggregate classification (germline): Uncertain significance (1 of 4 stars; one submission).

gnomAD v4.1: 3 of 1,612,940 alleles (0.00019%); highest among the groups gnomAD compares: East Asian, 0.0045%; no homozygotes.

Submission:

Ambry Genetics
Classification: Uncertain significance. Last evaluated: 2026-04-20. Review status: criteria provided, single submitter. Criteria: Ambry Variant Classification Scheme 2023. Collection method: clinical testing. Allele origin: germline.
Comment: The c.496A>G (p.T166A) alteration is located in exon 2 (coding exon 2) of the CRNKL1 gene. This alteration results from a A to G substitution at nucleotide position 496, causing the threonine (T) at amino acid position 166 to be replaced by an alanine (A). Based on data from gnomAD, the G allele has an overall frequency of <0.001% (1/249756) total alleles studied. The highest observed frequency was 0.006% (1/18326) of East Asian alleles. Based on insufficient or conflicting evidence, the clinical significance of this alteration remains unclear.

NM_001278628.2(CRNKL1):c.13A>G (p.Thr5Ala)

Genes: CRNKL1 (crooked neck pre-mRNA splicing factor 1; minus strand), LOC130065490 (ATAC-STARR-seq lymphoblastoid active region 17604; plus strand). Cytogenetic location: 20p11.23.
Variant type: single nucleotide variant.
Coding change: c.13A>G on transcript NM_001278628.2 (MANE Select); coding-DNA position 13, A replaced by G.
Protein change: p.Thr5Ala; replaces threonine 5 with alanine.
Molecular consequence: missense variant. On other transcripts: intron variant (2).
Genome position (GRCh38, 1-based): chr20:20,052,330, T>C on the plus strand (A>G on the coding strand, the complement: CRNKL1 is on the minus strand). VCF-style: chr20-20052330-T-C. GRCh37 (hg19) VCF-style: chr20-20032974-T-C.
Other names: c.460A>G, p.Thr154Ala (NM_001278625.2); c.496A>G, p.Thr166Ala (NM_016652.6); c.-319+145A>G (NM_001278627.2); c.-319+149A>G (NM_001278626.2); short protein forms T154A, T166A, T5A.
Identifiers: ClinVar variation 4869417 (VCV004869417.1).
Genomic context (GRCh38, chr20:20,052,330, plus strand): 5'-AAGGCCCCTCGCGATCGCCTACCTTGGCCACTTTGGGAATCCGCTGCTTCCCGGCCGCGG[T>C]GGAGGCCGCCATGTCTGCAGCAGTCGACCTCTGGACACCTGTCCCCGGCACGGACGCTAG-3'
Protein context (NP_001265557.1, residues 1-15): MAAS[Thr5Ala]AAGKQRIPKV